The following is an entry in ClinVar:

NM_182895.5(SCARF2):c.3G>A (p.Met1Ile)

Gene: SCARF2 (scavenger receptor class F member 2; minus strand). Cytogenetic location: 22q11.21.
Variant type: single nucleotide variant.
Coding change: c.3G>A on transcript NM_182895.5 (MANE Select); coding-DNA position 3, G replaced by A.
Protein change: p.Met1Ile; changes the start codon (methionine 1).
Molecular consequence: missense variant, initiator codon variant.
Genome position (GRCh38, 1-based): chr22:20,437,752, C>T on the plus strand (G>A on the coding strand, the complement: SCARF2 is on the minus strand). VCF-style: chr22-20437752-C-T. GRCh37 (hg19) VCF-style: chr22-20792039-C-T.
Other names: c.3G>A, p.Met1Ile (NM_153334.7); short protein forms M1I.
Identifiers: ClinVar variation 2500262 (VCV002500262.2), dbSNP rs1368086969, ClinGen allele CA410750271.

ClinVar aggregate classification (germline): Likely pathogenic (1 of 4 stars; one submission).

Conditions:
Van den Ende-Gupta syndrome (VDEGS). Also called: BLEPHAROPHIMOSIS, ARACHNODACTYLY, AND CONGENITAL CONTRACTURES. Identifiers: Orphanet 2460, MedGen C1833136, MONDO:0010959, OMIM 600920.

Submission:

Equipe Genetique des Anomalies du Developpement, Université de Bourgogne
Classification: Likely pathogenic for Van den Ende-Gupta syndrome. Last evaluated: 2022-12-19. Review status: criteria provided, single submitter. Criteria: ACMG Guidelines, 2015. Collection method: clinical testing. Allele origin: paternal. Inheritance: Autosomal recessive inheritance. Affected: yes.
Comment: This variant was observed with a CNV